The following is an entry in ClinVar:

ClinVar aggregate classification (germline): Conflicting classifications of pathogenicity. Review status: criteria provided, conflicting classifications (1 of 4 stars). 2 submissions from 2 submitters: Likely pathogenic (1); Uncertain significance (1). Last evaluated 2019-11-08.

Submissions (2):

GeneDx
Classification: Likely pathogenic. Last evaluated: 2019-11-08. Review status: criteria provided, single submitter. Criteria: GeneDx Variant Classification Process June 2021. Collection method: clinical testing. Allele origin: germline. Affected: yes.
Comment: Not observed in large population cohorts (Lek et al., 2016); In silico analysis, which includes protein predictors and evolutionary conservation, supports a deleterious effect; In-silico analysis, which includes splice predictors and evolutionary conservation, is inconclusive as to whether the variant alters gene splicing. In the absence of RNA/functional studies, the actual effect of this sequence change is unknown.; This variant is associated with the following publications: (PMID: 31046801)

Blueprint Genetics
Classification: Uncertain significance. Last evaluated: 2018-09-11. Review status: criteria provided, single submitter. Criteria: ACMG Guidelines, 2015. Collection method: clinical testing. Allele origin: germline.

NM_006121.4(KRT1):c.593T>G (p.Val198Gly)

Gene: KRT1 (keratin 1; minus strand). Cytogenetic location: 12q13.13.
Variant type: single nucleotide variant.
Coding change: c.593T>G on transcript NM_006121.4 (MANE Select); coding-DNA position 593, T replaced by G.
Protein change: p.Val198Gly; replaces valine 198 with glycine.
Molecular consequence: missense variant.
Genome position (GRCh38, 1-based): chr12:52,678,755, A>C on the plus strand (T>G on the coding strand, the complement: KRT1 is on the minus strand). VCF-style: chr12-52678755-A-C. GRCh37 (hg19) VCF-style: chr12-53072539-A-C.
Other names: short protein forms V198G.
Identifiers: ClinVar variation 1193914 (VCV001193914.3), dbSNP rs2121008110, ClinGen allele CA384972734.